The following is an entry in ClinVar:

NM_080680.3(COL11A2):c.2482C>T (p.Arg828Trp)

Gene: COL11A2 (collagen type XI alpha 2 chain; minus strand). Cytogenetic location: 6p21.32.
Variant type: single nucleotide variant.
Coding change: c.2482C>T on transcript NM_080680.3 (MANE Select); coding-DNA position 2482, C replaced by T.
Protein change: p.Arg828Trp; replaces arginine 828 with tryptophan.
Molecular consequence: missense variant.
Genome position (GRCh38, 1-based): chr6:33,174,167, G>A on the plus strand (C>T on the coding strand, the complement: COL11A2 is on the minus strand). VCF-style: chr6-33174167-G-A. GRCh37 (hg19) VCF-style: chr6-33141944-G-A.
Other names: c.2482C>T (NM_080680.2); c.2161C>T, p.Arg721Trp (NM_080679.3); c.2224C>T, p.Arg742Trp (NM_080681.3); short protein forms R721W, R742W, R828W.
Identifiers: ClinVar variation 2441818 (VCV002441818.7), dbSNP rs752629970, ClinGen allele CA3750894.

ClinVar aggregate classification (germline): Uncertain significance. Review status: criteria provided, multiple submitters, no conflicts (2 of 4 stars). 5 submissions from 5 submitters: Uncertain significance (5). Last evaluated 2024-08-28.

Conditions:
COL11A2-related disorder. Also called: COL11A2-related condition; COL11A2-related disorders.
Otospondylomegaepiphyseal dysplasia, autosomal recessive (OSMEDB). Also called: CHONDRODYSTROPHY WITH SENSORINEURAL DEAFNESS; Insley-Astley syndrome. Identifiers: Orphanet 1427, MedGen CN034493, MONDO:0044206, OMIM 215150.
Inborn genetic diseases. Identifiers: MedGen C0950123, MeSH D030342.

Allele frequency attached by ClinVar (database versions not stated): ExAC 0.00002; TOPMed 0.00002.
gnomAD v4.1: 11 of 1,584,264 alleles (0.00069%); highest among the groups gnomAD compares: East Asian, 0.014%; no homozygotes.

Submissions (5):

Labcorp Genetics (formerly Invitae), Labcorp
Classification: Uncertain significance. Last evaluated: 2024-08-28. Review status: criteria provided, single submitter. Criteria: Invitae Variant Classification Sherloc (09022015). Collection method: clinical testing. Allele origin: germline.
Comment: This sequence change replaces arginine, which is basic and polar, with tryptophan, which is neutral and slightly polar, at codon 828 of the COL11A2 protein (p.Arg828Trp). The frequency data for this variant in the population databases is considered unreliable, as metrics indicate poor data quality at this position in the gnomAD database. This variant has not been reported in the literature in individuals affected with COL11A2-related conditions. ClinVar contains an entry for this variant (Variation ID: 2441818). An algorithm developed to predict the effect of missense changes on protein structure and function (PolyPhen-2) suggests that this variant is likely to be disruptive. In summary, the available evidence is currently insufficient to determine the role of this variant in disease. Therefore, it has been classified as a Variant of Uncertain Significance.

Daryl Scott Lab, Baylor College of Medicine
Classification: Uncertain significance for COL11A2-related disorder. Last evaluated: 2024-04-01. Review status: criteria provided, single submitter. Criteria: ACMG Guidelines, 2015. Collection method: clinical testing. Allele origin: unknown. Observed: 1 heterozygote.
Comment: PP3

Ambry Genetics
Classification: Uncertain significance for Inborn genetic diseases. Last evaluated: 2024-02-06. Review status: criteria provided, single submitter. Criteria: Ambry Variant Classification Scheme 2023. Collection method: clinical testing. Allele origin: germline.

GeneDx
Classification: Uncertain significance. Last evaluated: 2022-11-23. Review status: criteria provided, single submitter. Criteria: GeneDx Variant Classification Process June 2021. Collection method: clinical testing. Allele origin: germline. Affected: yes.
Comment: In silico analysis supports that this missense variant has a deleterious effect on protein structure/function; Has not been previously published as pathogenic or benign to our knowledge

Baylor Genetics
Classification: Uncertain significance for Otospondylomegaepiphyseal dysplasia, autosomal recessive. Last evaluated: 2021-04-28. Review status: criteria provided, single submitter. Criteria: ACMG Guidelines, 2015. Collection method: clinical testing. Allele origin: unknown.